The following is an entry in ClinVar:

NM_006279.5(ST3GAL3):c.975C>G (p.Asp325Glu)

Gene: ST3GAL3 (ST3 beta-galactoside alpha-2,3-sialyltransferase 3; plus strand). Cytogenetic location: 1p34.1.
Variant type: single nucleotide variant.
Coding change: c.975C>G on transcript NM_006279.5 (MANE Select); coding-DNA position 975, C replaced by G.
Protein change: p.Asp325Glu; replaces aspartic acid 325 with glutamic acid.
Molecular consequence: missense variant. On other transcripts: non-coding transcript variant (6), intron variant (11).
Genome position (GRCh38, 1-based): chr1:43,920,865, C>G. VCF-style: chr1-43920865-C-G. GRCh37 (hg19) VCF-style: chr1-44386537-C-G.
Other names: c.885C>G, p.Asp295Glu (NM_001270459.2); c.882C>G, p.Asp294Glu (NM_001270460.2); c.1020C>G, p.Asp340Glu (NM_001350619.2, NM_174964.4); c.975C>G, p.Asp325Glu (NM_001350620.2); c.696C>G, p.Asp232Glu (NM_001350621.2); c.927C>G, p.Asp309Glu (NM_001410781.1, NM_174969.4); c.1182C>G, p.Asp394Glu (NM_174963.5); c.1137C>G, p.Asp379Glu (NM_174968.5); and 12 more; short protein forms D232E, D325E, D340E, D363E, D294E, D379E, D394E, D295E.
Identifiers: ClinVar variation 1768096 (VCV001768096.2), dbSNP rs1571531203, ClinGen allele CA340032882.
Genomic context (GRCh38, chr1:43,920,865, plus strand): 5'-GGCAGTGACCATGGCACTACACGGCTGTGACGAGGTGGCAGTCGCAGGATTTGGCTATGA[C>G]ATGAGCACACCCAACGCACCCCTGCACTACTATGAGACCGTTCGCATGGCAGCCATCAAA-3'
Protein context (NP_006270.1, residues 315-335): DEVAVAGFGY[Asp325Glu]MSTPNAPLHY

ClinVar aggregate classification (germline): Uncertain significance (1 of 4 stars; one submission).

Conditions:
Inborn genetic diseases. Identifiers: MedGen C0950123, MeSH D030342.

Submission:

Ambry Genetics
Classification: Uncertain significance for Inborn genetic diseases. Last evaluated: 2020-07-15. Review status: criteria provided, single submitter. Criteria: Ambry Variant Classification Scheme 2023. Collection method: clinical testing. Allele origin: germline.
Comment: The p.D325E variant (also known as c.975C>G), located in coding exon 10 of the ST3GAL3 gene, results from a C to G substitution at nucleotide position 975. The aspartic acid at codon 325 is replaced by glutamic acid, an amino acid with highly similar properties. This amino acid position is highly conserved in available vertebrate species. In addition, the in silico prediction for this alteration is inconclusive. Since supporting evidence is limited at this time, the clinical significance of this alteration remains unclear.